The following is an entry in ClinVar:

ClinVar aggregate classification (germline): Uncertain significance. Review status: criteria provided, multiple submitters, no conflicts (2 of 4 stars). 3 submissions from 3 submitters: Uncertain significance (2). 1 of the submissions does not count toward it. Last evaluated 2025-05-12.

Conditions:
Usher syndrome type 3A (USH3A). Also called: USHER SYNDROME, TYPE IIIA. Identifiers: MedGen C5779850, MONDO:0010170, OMIM 276902.

Allele frequency attached by ClinVar (database versions not stated): gnomAD exomes 0.00001; TOPMed 0.00002.
gnomAD v4.1: 10 of 1,614,088 alleles (0.00062%); highest among the groups gnomAD compares: Non-Finnish European, 0.00076%; no homozygotes.

Submissions (3):

GeneDx
Classification: Uncertain significance. Last evaluated: 2025-05-12. Review status: criteria provided, single submitter. Criteria: GeneDx Variant Classification Process June 2021. Collection method: clinical testing. Allele origin: germline. Affected: yes.
Comment: Not observed at significant frequency in large population cohorts (gnomAD); Has not been previously published as pathogenic or benign to our knowledge; Reported using an alternate transcript of the gene; Initiation codon variant in a gene with an unclear effect on protein function

Blueprint Genetics
Classification: Uncertain significance. Last evaluated: 2022-11-17. Review status: criteria provided, single submitter. Criteria: ACMG Guidelines, 2015. Collection method: clinical testing. Allele origin: germline.

Counsyl
Classification: Likely benign for Usher syndrome type 3A. Last evaluated: 2017-12-27. Review status: no assertion criteria provided. Collection method: clinical testing. Allele origin: unknown. Not counted in ClinVar's aggregate classification.

NM_174878.3(CLRN1):c.254-2082T>G

Gene: CLRN1 (clarin 1; minus strand). Cytogenetic location: 3q25.1.
Variant type: single nucleotide variant.
Coding change: c.254-2082T>G on transcript NM_174878.3 (MANE Select); 2082 bases into the intron before coding-DNA position 254, T replaced by G.
Molecular consequence: intron variant. On other transcripts: missense variant (2), initiator codon variant (1).
Genome position (GRCh38, 1-based): chr3:150,943,843, A>C on the plus strand (T>G on the coding strand, the complement: CLRN1 is on the minus strand). VCF-style: chr3-150943843-A-C. GRCh37 (hg19) VCF-style: chr3-150661630-A-C.
Other names: c.254-2082T>G (LRG_700t1, NM_001195794.1); c.2T>G, p.Met1Arg (LRG_700t2, NM_052995.2); c.402T>G, p.His134Gln (NM_001256819.2); short protein forms M1R, H134Q.
Identifiers: ClinVar variation 555657 (VCV000555657.5), dbSNP rs963890618, ClinGen allele CA85693108.